The following is an entry in ClinVar:

ClinVar aggregate classification (germline): Conflicting classifications of pathogenicity. Review status: criteria provided, conflicting classifications (1 of 4 stars). 2 submissions from 2 submitters: Uncertain significance (1); Benign (1). Last evaluated 2024-12-04.

gnomAD v4.1: 303 of 1,600,162 alleles (0.019%); highest among the groups gnomAD compares: African/African-American, 0.16%; no homozygotes.

Submissions (2):

Labcorp Genetics (formerly Invitae), Labcorp
Classification: Benign. Last evaluated: 2024-12-04. Review status: criteria provided, single submitter. Criteria: Invitae Variant Classification Sherloc (09022015). Collection method: clinical testing. Allele origin: germline.

GeneDx
Classification: Uncertain significance. Last evaluated: 2024-05-22. Review status: criteria provided, single submitter. Criteria: GeneDx Variant Classification Process June 2021. Collection method: clinical testing. Allele origin: germline. Affected: yes.
Comment: In silico analysis indicates that this missense variant does not alter protein structure/function; Has not been previously published as pathogenic or benign to our knowledge

NM_001256071.3(RNF213):c.5716C>T (p.Arg1906Cys)

Gene: RNF213 (ring finger protein 213; plus strand). Cytogenetic location: 17q25.3.
Variant type: single nucleotide variant.
Coding change: c.5716C>T on transcript NM_001256071.3 (MANE Select); coding-DNA position 5716, C replaced by T.
Protein change: p.Arg1906Cys; replaces arginine 1906 with cysteine.
Molecular consequence: missense variant.
Genome position (GRCh38, 1-based): chr17:80,340,083, C>T. VCF-style: chr17-80340083-C-T. GRCh37 (hg19) VCF-style: chr17-78313883-C-T.
Other names: c.5863C>T, p.Arg1955Cys (NM_001410195.1, NM_020914.5); short protein forms R1906C, R1955C.
Identifiers: ClinVar variation 3381286 (VCV003381286.3).